The following is an entry in ClinVar:

ClinVar aggregate classification (germline): Uncertain significance (1 of 4 stars; one submission).

Submission:

CeGaT Center for Human Genetics Tuebingen
Classification: Uncertain significance. Last evaluated: 2026-07-01. Review status: criteria provided, single submitter. Criteria: CeGaT Center For Human Genetics Tuebingen Variant Classification Criteria Version 2. Collection method: clinical testing. Allele origin: germline. Affected: yes. Observed: 1 variant allele.
Comment: RNF213: PM1, PM2

NM_001256071.3(RNF213):c.12350T>C (p.Leu4117Pro)

Genes: RNF213 (ring finger protein 213; plus strand), RNF213-AS1 (RNF213 antisense RNA 1; minus strand). Cytogenetic location: 17q25.3.
Variant type: single nucleotide variant.
Coding change: c.12350T>C on transcript NM_001256071.3 (MANE Select); coding-DNA position 12350, T replaced by C.
Protein change: p.Leu4117Pro; replaces leucine 4117 with proline.
Molecular consequence: missense variant.
Genome position (GRCh38, 1-based): chr17:80,369,792, T>C. VCF-style: chr17-80369792-T-C. GRCh37 (hg19) VCF-style: chr17-78343592-T-C.
Other names: c.12497T>C, p.Leu4166Pro (NM_001410195.1, NM_020914.5); short protein forms L4117P, L4166P.
Identifiers: ClinVar variation 5040163 (VCV005040163.1).
Genomic context (GRCh38, chr17:80,369,792, plus strand): 5'-TCATGCAGTGAGCTGCCTTTTTCTTTCTGGTTTAAGGACACTGTGAACACACAAAATCTC[T>C]CTCTCCATTCAATGATGTTGTGGATAAGACTCCTGTCATCCGCTCAGTGATACTGAAACT-3'
Protein context (NP_001243000.2, residues 4107-4127): AQRHCEHTKS[Leu4117Pro]SPFNDVVDKT